The following is an entry in ClinVar:

NM_000304.4(PMP22):c.78+4A>C

Gene: PMP22 (peripheral myelin protein 22; minus strand). Cytogenetic location: 17p12.
Variant type: single nucleotide variant.
Coding change: c.78+4A>C on transcript NM_000304.4 (MANE Select); 4 bases into the intron after coding-DNA position 78, A replaced by C.
Molecular consequence: intron variant.
Genome position (GRCh38, 1-based): chr17:15,260,646, T>G on the plus strand (A>C on the coding strand, the complement: PMP22 is on the minus strand). VCF-style: chr17-15260646-T-G. GRCh37 (hg19) VCF-style: chr17-15163963-T-G.
Other names: c.78+4A>C (NM_001281456.2, NM_153321.3, NM_001281455.2 and 2 more transcripts).
Identifiers: ClinVar variation 1760695 (VCV001760695.2), dbSNP rs2508226566, ClinGen allele CA2580092583.

ClinVar aggregate classification (germline): Uncertain significance (1 of 4 stars; one submission).

Conditions:
Inborn genetic diseases. Identifiers: MedGen C0950123, MeSH D030342.

Submission:

Ambry Genetics
Classification: Uncertain significance for Inborn genetic diseases. Last evaluated: 2020-01-14. Review status: criteria provided, single submitter. Criteria: Ambry Variant Classification Scheme 2023. Collection method: clinical testing. Allele origin: germline.
Comment: The c.78+4A>C intronic variant results from an A to C substitution 4 nucleotides after coding exon 1 in the PMP22 gene. This nucleotide position is highly conserved in available vertebrate species. Using the BDGP and ESEfinder splice site prediction tools, this alteration is predicted to abolish the native splice donor site; however, direct evidence is unavailable. Since supporting evidence is limited at this time, the clinical significance of this alteration remains unclear.